The following is an entry in ClinVar:

NM_019074.4(DLL4):c.979G>A (p.Glu327Lys)

Gene: DLL4 (delta like canonical Notch ligand 4; plus strand). Cytogenetic location: 15q15.1.
Variant type: single nucleotide variant.
Coding change: c.979G>A on transcript NM_019074.4 (MANE Select); coding-DNA position 979, G replaced by A.
Protein change: p.Glu327Lys; replaces glutamic acid 327 with lysine.
Molecular consequence: missense variant.
Genome position (GRCh38, 1-based): chr15:40,934,676, G>A. VCF-style: chr15-40934676-G-A. GRCh37 (hg19) VCF-style: chr15-41226874-G-A.
Other names: c.979G>A (NM_019074.3); short protein forms E327K.
Identifiers: ClinVar variation 1448258 (VCV001448258.9), dbSNP rs1228279248, ClinGen allele CA391778657.

ClinVar aggregate classification (germline): Conflicting classifications of pathogenicity. Review status: criteria provided, conflicting classifications (1 of 4 stars). 2 submissions from 2 submitters: Uncertain significance (1); Likely benign (1). Last evaluated 2025-10-02.

Conditions:
Inborn genetic diseases. Identifiers: MedGen C0950123, MeSH D030342.

Allele frequency attached by ClinVar (database versions not stated): TOPMed below 0.00001; gnomAD exomes below 0.00001 and 0.00001.
gnomAD v4.1: 8 of 1,613,906 alleles (0.0005%); highest among the groups gnomAD compares: Admixed American, 0.0017%; no homozygotes.

Submissions (2):

Ambry Genetics
Classification: Likely benign for Inborn genetic diseases. Last evaluated: 2025-10-02. Review status: criteria provided, single submitter. Criteria: Ambry Variant Classification Scheme 2023. Collection method: clinical testing. Allele origin: germline.

Labcorp Genetics (formerly Invitae), Labcorp
Classification: Uncertain significance. Last evaluated: 2024-10-21. Review status: criteria provided, single submitter. Criteria: Invitae Variant Classification Sherloc (09022015). Collection method: clinical testing. Allele origin: germline.
Comment: This sequence change replaces glutamic acid, which is acidic and polar, with lysine, which is basic and polar, at codon 327 of the DLL4 protein (p.Glu327Lys). This variant is present in population databases (no rsID available, gnomAD 0.003%). This variant has not been reported in the literature in individuals affected with DLL4-related conditions. ClinVar contains an entry for this variant (Variation ID: 1448258). Invitae Evidence Modeling of protein sequence and biophysical properties (such as structural, functional, and spatial information, amino acid conservation, physicochemical variation, residue mobility, and thermodynamic stability) indicates that this missense variant is not expected to disrupt DLL4 protein function with a negative predictive value of 80%. In summary, the available evidence is currently insufficient to determine the role of this variant in disease. Therefore, it has been classified as a Variant of Uncertain Significance.